The following is an entry in ClinVar:

ClinVar aggregate classification (germline): Uncertain significance (1 of 4 stars; one submission).

Conditions:
Hereditary diffuse gastric adenocarcinoma (HDGC). Also called: DIFFUSE GASTRIC AND LOBULAR BREAST CANCER SYNDROME. Identifiers: Orphanet 26106, MedGen C1708349, MONDO:0007648, OMIM 137215.

Allele frequency attached by ClinVar (database versions not stated): gnomAD 0.00001; TOPMed 0.00002.
gnomAD v4.1: 3 of 152,178 alleles (0.002%); highest among the groups gnomAD compares: Non-Finnish European, 0.0029%; no homozygotes.

Submission:

European Reference Network on Genetic Tumour Risk Syndromes (ERN-GENTURIS), i3s - Instituto de Investigação e Inovação em Saúde, University of Porto
Classification: Uncertain significance for Hereditary diffuse gastric adenocarcinoma. Last evaluated: 2022-08-01. Review status: criteria provided, single submitter. Criteria: Lee et al. (Hum Mutat. 2018). Collection method: clinical testing. Allele origin: germline. Inheritance: Autosomal dominant inheritance. Affected: no. Study: ERN GENTURIS.
Comment: PM2 (PMID: 30311375)

Literature cited by the submitters: PubMed 36436516.

NM_004360.5(CDH1):c.1712-168G>C

Gene: CDH1 (cadherin 1; plus strand). Cytogenetic location: 16q22.1.
Variant type: single nucleotide variant.
Coding change: c.1712-168G>C on transcript NM_004360.5 (MANE Select); 168 bases into the intron before coding-DNA position 1712, G replaced by C.
Molecular consequence: intron variant.
Genome position (GRCh38, 1-based): chr16:68,821,833, G>C. VCF-style: chr16-68821833-G-C. GRCh37 (hg19) VCF-style: chr16-68855736-G-C.
Other names: c.164-168G>C (NM_001317185.2); c.-254-168G>C (NM_001317186.2); c.1529-168G>C (NM_001317184.2).
Identifiers: ClinVar variation 2502970 (VCV002502970.1), dbSNP rs1338685632, ClinGen allele CA623574737.